The following is an entry in ClinVar:

NM_006363.6(SEC23B):c.576_583delinsA (p.Thr192_Lys193insTer)

Genes: SEC23B (SEC23 homolog B, COPII component; plus strand), LOC126862987 (MED14-independent group 3 enhancer GRCh37_chr20:18504796-18505995; plus strand). Cytogenetic location: 20p11.23.
Variant type: Indel.
Coding change: c.576_583delinsA on transcript NM_006363.6 (MANE Select); coding-DNA positions 576 to 583, CAAGGATT replaced by A.
Protein change: p.Thr192_Lys193insTer.
Molecular consequence: frameshift variant.
Genome position (GRCh38, 1-based): chr20:18,524,642-18,524,649, CAAGGATT replaced by A. VCF-style: chr20-18524642-CAAGGATT-A. GRCh37 (hg19) VCF-style: chr20-18505286-CAAGGATT-A.
Other names: c.576_583delinsA, p.Thr192_Lys193insTer (NM_001172745.3, NM_032985.6, NM_032986.5); c.522_529delinsA, p.Thr174_Lys175insTer (NM_001172746.3).
Identifiers: ClinVar variation 463383 (VCV000463383.4), dbSNP rs1555788144, ClinGen allele CA658658868.
Genomic context (GRCh38, chr20:18,524,642, plus strand): 5'-GGTGCAGGTTCATGAGCTAAGCTGTGAAGGAATCTCCAAAAGTTATGTCTTCCGAGGGAC[CAAGGATT>A]TAACTGCAAAGCAAATACAGGTTTGTACCTTACTTGTACAGGAGCAGAAACAAGGACTTT-3'

ClinVar aggregate classification (germline): Pathogenic. Review status: criteria provided, single submitter (1 of 4 stars). 2 submissions from 1 submitter: Pathogenic (2). Last evaluated 2017-08-17.

Conditions:
Cowden syndrome 7 (CWS7). Identifiers: Orphanet 201, MedGen C4225179, MONDO:0014802, OMIM 616858.
Congenital dyserythropoietic anemia, type II (CDAN2). Also called: DYSERYTHROPOIETIC ANEMIA, HEMPAS TYPE. Identifiers: Orphanet 98873, MedGen C1306589, MONDO:0009134, OMIM 224100.

Submissions (2):

Labcorp Genetics (formerly Invitae), Labcorp
Classification: Pathogenic for Congenital dyserythropoietic anemia, type II. Last evaluated: 2017-08-17. Review status: criteria provided, single submitter. Criteria: Invitae Variant Classification Sherloc (09022015). Collection method: clinical testing. Allele origin: germline.
Comment: This sequence change creates a premature translational stop signal (p.Lys193*) in the SEC23B gene. It is expected to result in an absent or disrupted protein product. This variant is not present in population databases (ExAC no frequency). This variant has not been reported in the literature in individuals with SEC23B-related disease. Loss-of-function variants in SEC23B are known to be pathogenic (PMID: 19561605, 25044164). For these reasons, this variant has been classified as Pathogenic.

Labcorp Genetics (formerly Invitae), Labcorp
Classification: Pathogenic for Congenital dyserythropoietic anemia, type II; Cowden syndrome 7. Last evaluated: 2017-07-13. Review status: criteria provided, single submitter. Criteria: Invitae Variant Classification Sherloc (09022015). Collection method: clinical testing. Allele origin: germline.
Comment: For these reasons, this variant has been classified as Pathogenic. Loss-of-function variants in SEC23B are known to be pathogenic (PMID: 19561605, 25044164). This variant has not been reported in the literature in individuals with SEC23B-related disease. This variant is not present in population databases (ExAC no frequency). This sequence change creates a premature translational stop signal (p.Lys193*) in the SEC23B gene. It is expected to result in an absent or disrupted protein product.

Literature cited by the submitters: PubMed 19561605; PubMed 25044164.